The following is an entry in ClinVar:

NM_006929.5(SKIC2):c.2932G>A (p.Gly978Arg)

Gene: SKIC2 (SKI2 subunit of superkiller complex; plus strand). Cytogenetic location: 6p21.33.
Variant type: single nucleotide variant.
Coding change: c.2932G>A on transcript NM_006929.5 (MANE Select); coding-DNA position 2932, G replaced by A.
Protein change: p.Gly978Arg; replaces glycine 978 with arginine.
Molecular consequence: missense variant.
Genome position (GRCh38, 1-based): chr6:31,968,401, G>A. VCF-style: chr6-31968401-G-A. GRCh37 (hg19) VCF-style: chr6-31936178-G-A.
Other names: short protein forms G978R.
Identifiers: ClinVar variation 1345068 (VCV001345068.4), dbSNP rs372400541, ClinGen allele CA3729917.
Genomic context (GRCh38, chr6:31,968,401, plus strand): 5'-CTTGCAGCCGTGACCACTGCTGTCCAGGAACTGCTGCGTCTGGCTCAGGCCCACCCAGCC[G>A]GACCTCCCACCCTCGACCCTGTCAATGACCTGCAGCTCAAAGATATGTCAGTTGTAGAGG-3'
Protein context (NP_008860.4, residues 968-988): LLRLAQAHPA[Gly978Arg]PPTLDPVNDL

ClinVar aggregate classification (germline): Uncertain significance (1 of 4 stars; one submission).

Allele frequency attached by ClinVar (database versions not stated): TOPMed 0.00003; gnomAD 0.00004; ExAC 0.00005; gnomAD exomes 0.00006; ESP Exome Variant Server 0.00024.
gnomAD v4.1: 81 of 1,612,810 alleles (0.005%); highest among the groups gnomAD compares: Non-Finnish European, 0.0062%; no homozygotes.

Submission:

Labcorp Genetics (formerly Invitae), Labcorp
Classification: Uncertain significance. Last evaluated: 2025-01-27. Review status: criteria provided, single submitter. Criteria: Invitae Variant Classification Sherloc (09022015). Collection method: clinical testing. Allele origin: germline.
Comment: This sequence change replaces glycine, which is neutral and non-polar, with arginine, which is basic and polar, at codon 978 of the SKIV2L protein (p.Gly978Arg). This variant is present in population databases (rs372400541, gnomAD 0.01%). This variant has not been reported in the literature in individuals affected with SKIV2L-related conditions. ClinVar contains an entry for this variant (Variation ID: 1345068). An algorithm developed to predict the effect of missense changes on protein structure and function (PolyPhen-2) suggests that this variant is likely to be disruptive. In summary, the available evidence is currently insufficient to determine the role of this variant in disease. Therefore, it has been classified as a Variant of Uncertain Significance.